The following is an entry in ClinVar:

NM_015001.3(SPEN):c.5334C>T (p.Asp1778=)

Gene: SPEN (spen family transcriptional repressor; plus strand). Cytogenetic location: 1p36.13.
Variant type: single nucleotide variant.
Coding change: c.5334C>T on transcript NM_015001.3 (MANE Select); coding-DNA position 5334, C replaced by T.
Protein change: p.Asp1778=; no amino-acid change (aspartic acid 1778 retained).
Molecular consequence: synonymous variant.
Genome position (GRCh38, 1-based): chr1:15,931,574, C>T. VCF-style: chr1-15931574-C-T. GRCh37 (hg19) VCF-style: chr1-16258069-C-T.
Identifiers: ClinVar variation 3041615 (VCV003041615.10), dbSNP rs147483037, ClinGen allele CA619712.

ClinVar aggregate classification (germline): Likely benign. Review status: criteria provided, single submitter (1 of 4 stars). 2 submissions from 2 submitters: Likely benign (1). 1 of the submissions does not count toward it. Last evaluated 2025-07-01.

Conditions:
SPEN-related disorder. Also called: SPEN-related condition.

Allele frequency attached by ClinVar (database versions not stated): TOPMed 0.00006; gnomAD exomes 0.00010; gnomAD 0.00011; ExAC 0.00012; ESP Exome Variant Server 0.00015; 1000 Genomes Project 30x 0.00031; 1000 Genomes Project 0.00040.

Submissions (2):

CeGaT Center for Human Genetics Tuebingen
Classification: Likely benign. Last evaluated: 2025-07-01. Review status: criteria provided, single submitter. Criteria: CeGaT Center For Human Genetics Tuebingen Variant Classification Criteria Version 2. Collection method: clinical testing. Allele origin: germline. Affected: yes. Observed: 1 variant allele.
Comment: SPEN: BP4, BP7

PreventionGenetics, part of Exact Sciences
Classification: Likely benign for SPEN-related condition. Last evaluated: 2019-05-08. Review status: no assertion criteria provided. Collection method: clinical testing. Allele origin: germline. Not counted in ClinVar's aggregate classification.
Comment: This variant is classified as likely benign based on ACMG/AMP sequence variant interpretation guidelines (Richards et al. 2015 PMID: 25741868, with internal and published modifications).